The following is an entry in ClinVar:

ClinVar aggregate classification (germline): Uncertain significance (1 of 4 stars; one submission).

Submission:

Dasa
Classification: Uncertain significance. Last evaluated: 2025-01-06. Review status: criteria provided, single submitter. Criteria: DASA Assertion Criteria. Collection method: clinical testing. Allele origin: germline.
Comment: NM_013275.6(ANKRD11):c.7027A>T (p.Met2343Leu) is a missense variant that results in the substitution of methionine with leucine. This variant is absent from population databases. The currently available literature and clinical evidence are not sufficient to establish a definitive association between this variant and the reported condition. Therefore, this variant is classified as a variant of uncertain significance.

NM_013275.6(ANKRD11):c.7027A>T (p.Met2343Leu)

Gene: ANKRD11 (ankyrin repeat domain 11; minus strand). Cytogenetic location: 16q24.3.
Variant type: single nucleotide variant.
Coding change: c.7027A>T on transcript NM_013275.6 (MANE Select); coding-DNA position 7027, A replaced by T.
Protein change: p.Met2343Leu; replaces methionine 2343 with leucine.
Molecular consequence: missense variant.
Genome position (GRCh38, 1-based): chr16:89,279,515, T>A on the plus strand (A>T on the coding strand, the complement: ANKRD11 is on the minus strand). VCF-style: chr16-89279515-T-A. GRCh37 (hg19) VCF-style: chr16-89345923-T-A.
Other names: c.7027A>T, p.Met2343Leu (NM_001256182.2, NM_001256183.2); short protein forms M2343L.
Identifiers: ClinVar variation 4883203 (VCV004883203.2).